The following is an entry in ClinVar:

ClinVar aggregate classification (germline): Uncertain significance. Review status: criteria provided, multiple submitters, no conflicts (2 of 4 stars). 3 submissions from 3 submitters: Uncertain significance (3). Last evaluated 2026-01-02.

Conditions:
Noonan syndrome 9 (NS9). Identifiers: Orphanet 648, MedGen C4225282, MONDO:0014691, OMIM 616559.

Submissions (3):

Dasa
Classification: Uncertain significance for Noonan syndrome 9. Last evaluated: 2026-01-02. Review status: criteria provided, single submitter. Criteria: DASA Assertion Criteria. Collection method: clinical testing. Allele origin: germline.
Comment: NM_006939.4(SOS2):c.3506A>T (p.Asp1169Val) is a missense variant that results in the substitution of aspartic acid with valine. This variant is rare in population databases. The currently available literature and clinical evidence are not sufficient to establish a definitive association between this variant and the reported condition. Therefore, this variant is classified as a variant of uncertain significance.

Labcorp Genetics (formerly Invitae), Labcorp
Classification: Uncertain significance for Noonan syndrome 9. Last evaluated: 2023-07-17. Review status: criteria provided, single submitter. Criteria: Invitae Variant Classification Sherloc (09022015). Collection method: clinical testing. Allele origin: germline.
Comment: This sequence change replaces aspartic acid, which is acidic and polar, with valine, which is neutral and non-polar, at codon 1169 of the SOS2 protein (p.Asp1169Val). In summary, the available evidence is currently insufficient to determine the role of this variant in disease. Therefore, it has been classified as a Variant of Uncertain Significance. Advanced modeling of protein sequence and biophysical properties (such as structural, functional, and spatial information, amino acid conservation, physicochemical variation, residue mobility, and thermodynamic stability) performed at Invitae indicates that this missense variant is not expected to disrupt SOS2 protein function. ClinVar contains an entry for this variant (Variation ID: 1964000). This variant has not been reported in the literature in individuals affected with SOS2-related conditions. This variant is not present in population databases (gnomAD no frequency).

Blueprint Genetics
Classification: Uncertain significance. Last evaluated: 2022-06-28. Review status: criteria provided, single submitter. Criteria: ACMG Guidelines, 2015. Collection method: clinical testing. Allele origin: germline.

NM_006939.4(SOS2):c.3506A>T (p.Asp1169Val)

Gene: SOS2 (SOS Ras/Rho guanine nucleotide exchange factor 2; minus strand). Cytogenetic location: 14q21.3.
Variant type: single nucleotide variant.
Coding change: c.3506A>T on transcript NM_006939.4 (MANE Select); coding-DNA position 3506, A replaced by T.
Protein change: p.Asp1169Val; replaces aspartic acid 1169 with valine.
Molecular consequence: missense variant.
Genome position (GRCh38, 1-based): chr14:50,118,837, T>A on the plus strand (A>T on the coding strand, the complement: SOS2 is on the minus strand). VCF-style: chr14-50118837-T-A. GRCh37 (hg19) VCF-style: chr14-50585555-T-A.
Other names: c.3407A>T, p.Asp1136Val (NM_001411020.1); short protein forms D1136V, D1169V.
Identifiers: ClinVar variation 1964000 (VCV001964000.8), dbSNP rs767512189, ClinGen allele CA389638777.
Genomic context (GRCh38, chr14:50,118,837, plus strand): 5'-ACTCTGGGTTTTACCTTTGGAGGAGGAGGCTGTCTCGGTGGAATAGCAGGAGGATCATCA[T>A]CAGATTTCATATTTCCCTCAAAAAAAAAAGTAATTAAATTATACCTCTATTCTGAAAAAT-3'
Protein context (NP_008870.2, residues 1159-1179): ASNSKGNMKS[Asp1169Val]DDPPAIPPRQ